The following is an entry in ClinVar:

ClinVar aggregate classification (germline): Pathogenic/Likely pathogenic. Review status: criteria provided, multiple submitters, no conflicts (2 of 4 stars). 2 submissions from 2 submitters: Pathogenic (1); Likely pathogenic (1). Last evaluated 2022-01-18.

Conditions:
von Willebrand disease type 1 (VWD1). Also called: VON WILLEBRAND DISEASE, TYPE I; VWD, TYPE 1. Identifiers: Orphanet 166078, Orphanet 903, MedGen C1264039, MONDO:0008668, OMIM 193400. Inheritance: autosomal recessive or autosomal dominant.
VWF-related disorder. Also called: VWF-related disorders; VWF-related condition.

Allele frequency attached by ClinVar (database versions not stated): gnomAD exomes 0.00001.

Submissions (2):

Blueprint Genetics
Classification: Likely pathogenic for VWF-related disorders. Last evaluated: 2022-01-18. Review status: criteria provided, single submitter. Criteria: ACMG Guidelines, 2015. Collection method: clinical testing. Allele origin: germline. Affected: yes. Observed: 1 variant allele.

ISTH-SSC Genomics in Thrombosis and Hemostasis, KU Leuven, Center for Molecular and Vascular Biology
Classification: Pathogenic for von Willebrand disease type 1. Review status: criteria provided, single submitter. Criteria: ACMG Guidelines, 2015. Collection method: clinical testing. Allele origin: unknown. Affected: yes. Observed: 2 heterozygotes.
Comment: GoldVariant submitter: Dr Karyn Mégy NIHR Bioresource - Cambridge University, UK

Literature cited by the submitters: PubMed 34355501 (cited by ISTH-SSC Genomics in Thrombosis and Hemostasis, KU Leuven, Center for Molecular and Vascular Biology).

NM_000552.5(VWF):c.6634dup (p.Cys2212fs)

Gene: VWF (von Willebrand factor; minus strand). Cytogenetic location: 12p13.31.
Variant type: Duplication.
Coding change: c.6634dup on transcript NM_000552.5 (MANE Select); coding-DNA position 6634, one base duplicated (T; older notation c.6634dupT).
Protein change: p.Cys2212fs; shifts the reading frame from cysteine 2212.
Molecular consequence: frameshift variant.
Genome position (GRCh38, 1-based): chr12:5,991,983, A duplicated on the plus strand (T on the coding strand, the reverse complement: VWF is on the minus strand). VCF-style (leftmost placement, unchanged base first): chr12-5991982-C-CA. GRCh37 (hg19) VCF-style: chr12-6101148-C-CA.
Other names: short protein forms C2212fs.
Identifiers: ClinVar variation 1677276 (VCV001677276.2), dbSNP rs1268159078, ClinGen allele CA603482905.
Genomic context (GRCh38, chr12:5,991,982, plus strand): 5'-GAGGGATGGTCCCCACAGGAGCTCACGTTGCCATCACAGTGCCGGGGACAGCCATGCTCA[C>CA]AGTGGTTGTAGACCAGAGATGGTGGGCATGACATAGCTGTAGACAGAGAAGGAGGTCACT-3'